The following is an entry in ClinVar:

ClinVar aggregate classification (germline): Uncertain significance (1 of 4 stars; one submission).

Allele frequency attached by ClinVar (database versions not stated): gnomAD 0.00001; TOPMed 0.00004.
gnomAD v4.1: 14 of 1,613,906 alleles (0.00087%); highest among the groups gnomAD compares: African/African-American, 0.0027%; no homozygotes.

Submission:

Labcorp Genetics (formerly Invitae), Labcorp
Classification: Uncertain significance. Last evaluated: 2023-09-19. Review status: criteria provided, single submitter. Criteria: Invitae Variant Classification Sherloc (09022015). Collection method: clinical testing. Allele origin: germline.
Comment: This sequence change replaces arginine, which is basic and polar, with histidine, which is basic and polar, at codon 520 of the FAM65B protein (p.Arg520His). This variant is present in population databases (no rsID available, gnomAD 0.0009%). This variant has not been reported in the literature in individuals affected with FAM65B-related conditions. An algorithm developed to predict the effect of missense changes on protein structure and function (PolyPhen-2) suggests that this variant is likely to be disruptive. In summary, the available evidence is currently insufficient to determine the role of this variant in disease. Therefore, it has been classified as a Variant of Uncertain Significance.

NM_001286445.3(RIPOR2):c.1496G>A (p.Arg499His)

Gene: RIPOR2 (RHO family interacting cell polarization regulator 2; minus strand). Cytogenetic location: 6p22.3.
Variant type: single nucleotide variant.
Coding change: c.1496G>A on transcript NM_001286445.3 (MANE Select); coding-DNA position 1496, G replaced by A.
Protein change: p.Arg499His; replaces arginine 499 with histidine.
Molecular consequence: missense variant.
Genome position (GRCh38, 1-based): chr6:24,843,223, C>T on the plus strand (G>A on the coding strand, the complement: RIPOR2 is on the minus strand). VCF-style: chr6-24843223-C-T. GRCh37 (hg19) VCF-style: chr6-24843451-C-T.
Other names: c.1511G>A, p.Arg504His (NM_001286446.3); c.1409G>A, p.Arg470His (NM_001286447.2, NM_001346031.2, NM_001346032.2 and 1 more transcripts); c.1559G>A, p.Arg520His (NM_014722.5); short protein forms R520H, R499H, R470H, R504H.
Identifiers: ClinVar variation 2960425 (VCV002960425.3), dbSNP rs1490391303, ClinGen allele CA362994173.